The following is an entry in ClinVar:

NM_015629.4(PRPF31):c.66_79dup (p.Glu27fs)

Gene: PRPF31 (pre-mRNA processing factor 31; plus strand). Cytogenetic location: 19q13.42.
Variant type: Duplication.
Coding change: c.66_79dup on transcript NM_015629.4 (MANE Select); coding-DNA positions 66 to 79, 14 bases duplicated (CTATGGGGAGGAAG).
Protein change: p.Glu27fs; shifts the reading frame from glutamic acid 27.
Molecular consequence: frameshift variant.
Genome position (GRCh38, 1-based): chr19:54,118,344-54,118,357, CTATGGGGAGGAAG duplicated; duplicating any 14 consecutive bases within chr19:54,118,336-54,118,357 gives the same sequence; the c. name uses the placement nearest the transcript's 3' end. VCF-style (leftmost placement, unchanged base first): chr19-54118335-A-AGGAGGAAGCTATGG. GRCh37 (hg19) VCF-style: chr19-54621715-A-AGGAGGAAGCTATGG.
Other names: short protein forms E27fs.
Identifiers: ClinVar variation 1065764 (VCV001065764.1), dbSNP rs2146392668, ClinGen allele CA2499225586.
Genomic context (GRCh38, chr19:54,118,335, plus strand): 5'-CGGGATGTCTCTGGCAGATGAGCTCTTAGCTGATCTCGAAGAGGCAGCAGAAGAGGAGGA[A>AGGAGGAAGCTATGG]GGAGGAAGCTATGGGGAGGAAGAAGAGGAGCCAGCGATCGAGGATGTGCAGGAGGAGACA-3'

ClinVar aggregate classification (germline): Likely pathogenic (1 of 4 stars; one submission).

Conditions:
Retinitis pigmentosa 11 (RP11). Identifiers: Orphanet 791, MedGen C1838601, MONDO:0010828, OMIM 600138.

Submission:

Ocular Genomics Institute, Massachusetts Eye and Ear
Classification: Likely pathogenic for Retinitis pigmentosa 11. Last evaluated: 2021-04-08. Review status: criteria provided, single submitter. Criteria: ACMG Guidelines, 2015. Collection method: research. Allele origin: germline. Affected: yes.
Comment: Through a review of available evidence we were able to apply the following criteria: PVS1, PM2. Based on this evidence we have classified this variant as Likely Pathogenic.